The following is an entry in ClinVar:

ClinVar aggregate classification (germline): Uncertain significance (1 of 4 stars; one submission).

Submission:

GeneDx
Classification: Uncertain significance. Last evaluated: 2025-07-21. Review status: criteria provided, single submitter. Criteria: GeneDx Variant Classification Process June 2021. Collection method: clinical testing. Allele origin: germline. Affected: yes.
Comment: Not observed at significant frequency in large population cohorts (gnomAD); In silico analysis supports that this missense variant has a deleterious effect on protein structure/function; Has not been previously published as pathogenic or benign to our knowledge

NM_005445.4(SMC3):c.2005T>A (p.Tyr669Asn)

Gene: SMC3 (structural maintenance of chromosomes 3; plus strand). Cytogenetic location: 10q25.2.
Variant type: single nucleotide variant.
Coding change: c.2005T>A on transcript NM_005445.4 (MANE Select); coding-DNA position 2005, T replaced by A.
Protein change: p.Tyr669Asn; replaces tyrosine 669 with asparagine.
Molecular consequence: missense variant.
Genome position (GRCh38, 1-based): chr10:110,596,439, T>A. VCF-style: chr10-110596439-T-A. GRCh37 (hg19) VCF-style: chr10-112356197-T-A.
Other names: short protein forms Y669N.
Identifiers: ClinVar variation 1304660 (VCV001304660.4), dbSNP rs776056911, ClinGen allele CA378391708.